The following is an entry in ClinVar:

ClinVar aggregate classification (germline): Uncertain significance. Review status: criteria provided, multiple submitters, no conflicts (2 of 4 stars). 3 submissions from 3 submitters: Uncertain significance (3). Last evaluated 2024-10-07.

Conditions:
ALG6-congenital disorder of glycosylation 1C (CDG1C). Also called: CARBOHYDRATE-DEFICIENT GLYCOPROTEIN SYNDROME, TYPE I, WITH DEFICIENT GLYCOSYLATION OF DOLICHOL-LINKED OLIGOSACCHARIDE; CARBOHYDRATE-DEFICIENT GLYCOPROTEIN SYNDROME, TYPE V; Congenital disorder of glycosylation type 1C; CDG Ic; Congenital disorder of glycosylation, type Ic. Identifiers: Orphanet 79320, MedGen C2930997, MONDO:0011291, OMIM 603147.

Allele frequency attached by ClinVar (database versions not stated): gnomAD 0.00001; TOPMed 0.00001; gnomAD exomes 0.00005; ExAC 0.00008; ESP Exome Variant Server 0.00008; 1000 Genomes Project 0.00020; 1000 Genomes Project 30x 0.00031.

Submissions (3):

Blueprint Genetics
Classification: Uncertain significance. Last evaluated: 2024-10-07. Review status: criteria provided, single submitter. Criteria: ACMG Guidelines, 2015. Collection method: clinical testing. Allele origin: germline.

Labcorp Genetics (formerly Invitae), Labcorp
Classification: Uncertain significance for ALG6-congenital disorder of glycosylation 1C. Last evaluated: 2024-06-10. Review status: criteria provided, single submitter. Criteria: Invitae Variant Classification Sherloc (09022015). Collection method: clinical testing. Allele origin: germline.
Comment: This sequence change replaces glutamic acid, which is acidic and polar, with glutamine, which is neutral and polar, at codon 345 of the ALG6 protein (p.Glu345Gln). This variant is present in population databases (rs142707911, gnomAD 0.03%). This variant has not been reported in the literature in individuals affected with ALG6-related conditions. ClinVar contains an entry for this variant (Variation ID: 2169648). Advanced modeling of protein sequence and biophysical properties (such as structural, functional, and spatial information, amino acid conservation, physicochemical variation, residue mobility, and thermodynamic stability) performed at Invitae indicates that this missense variant is expected to disrupt ALG6 protein function with a positive predictive value of 80%. In summary, the available evidence is currently insufficient to determine the role of this variant in disease. Therefore, it has been classified as a Variant of Uncertain Significance.

GeneDx
Classification: Uncertain significance. Last evaluated: 2023-06-21. Review status: criteria provided, single submitter. Criteria: GeneDx Variant Classification Process June 2021. Collection method: clinical testing. Allele origin: germline. Affected: yes.
Comment: Reported in the homozygous state in affected brothers with epilepsy, intellectual disability, and developmental delay, however an unaffected sibling was also found to be homozygous for the ALG6 variant and the affected brothers harbored homozygous variants in additional genes (Badshah et al., 2022); In silico analysis supports that this missense variant has a deleterious effect on protein structure/function; This variant is associated with the following publications: (PMID: 35911904)

NM_013339.4(ALG6):c.1033G>C (p.Glu345Gln)

Gene: ALG6 (ALG6 alpha-1,3-glucosyltransferase; plus strand). Cytogenetic location: 1p31.3.
Variant type: single nucleotide variant.
Coding change: c.1033G>C on transcript NM_013339.4 (MANE Select); coding-DNA position 1033, G replaced by C.
Protein change: p.Glu345Gln; replaces glutamic acid 345 with glutamine.
Molecular consequence: missense variant.
Genome position (GRCh38, 1-based): chr1:63,419,415, G>C. VCF-style: chr1-63419415-G-C. GRCh37 (hg19) VCF-style: chr1-63885086-G-C.
Other names: c.1033G>C (NM_013339.3); short protein forms E345Q.
Identifiers: ClinVar variation 2169648 (VCV002169648.4), dbSNP rs142707911, ClinGen allele CA888350.